The following is an entry in ClinVar:

ClinVar aggregate classification (germline): Uncertain significance (1 of 4 stars; one submission).

Submission:

Women's Health and Genetics/Laboratory Corporation of America, LabCorp
Classification: Uncertain significance. Last evaluated: 2026-01-09. Review status: criteria provided, single submitter. Criteria: LabCorp Variant Classification Summary - May 2015. Collection method: clinical testing. Allele origin: germline.
Comment: Variant summary: SLITRK2 c.190A>G (p.Ile64Val) results in a conservative amino acid change in the encoded protein sequence. Algorithms developed to predict the effect of missense changes on protein structure and function are either unavailable or do not agree on the potential impact of this missense change. The variant was absent in 183384 control chromosomes. The available data on variant occurrences in the general population are insufficient to allow any conclusion about variant significance. To our knowledge, no occurrence of c.190A>G in individuals affected with SLITRK2-related conditions and no experimental evidence demonstrating its impact on protein function have been reported. No submitters have cited clinical-significance assessments for this variant to ClinVar. Based on the evidence outlined above, the variant was classified as uncertain significance.

NM_032539.5(SLITRK2):c.190A>G (p.Ile64Val)

Gene: SLITRK2 (SLIT and NTRK like family member 2; plus strand). Cytogenetic location: Xq27.3.
Variant type: single nucleotide variant.
Coding change: c.190A>G on transcript NM_032539.5 (MANE Select); coding-DNA position 190, A replaced by G.
Protein change: p.Ile64Val; replaces isoleucine 64 with valine.
Molecular consequence: missense variant.
Genome position (GRCh38, 1-based): chrX:145,822,615, A>G. VCF-style: chrX-145822615-A-G. GRCh37 (hg19) VCF-style: chrX-144904133-A-G.
Other names: c.190A>G, p.Ile64Val (NM_001144003.3, NM_001144004.3, NM_001144005.3 and 4 more transcripts); short protein forms I64V.
Identifiers: ClinVar variation 4689514 (VCV004689514.1).
Genomic context (GRCh38, chrX:145,822,615, plus strand): 5'-ATCAACTGTGAGAACAAAGGATTTACAACAGTTAGCCTGCTCCAGCCCCCCCAGTATCGA[A>G]TCTATCAGCTTTTTCTCAATGGAAACCTCTTGACAAGACTGTATCCAAACGAATTTGTCA-3'
Protein context (NP_115928.1, residues 54-74): VSLLQPPQYR[Ile64Val]YQLFLNGNLL